The following is an entry in ClinVar:

ClinVar aggregate classification (germline): Benign (1 of 4 stars; one submission).

Allele frequency attached by ClinVar (database versions not stated): 1000 Genomes Project 30x 0.07167; 1000 Genomes Project 0.07208; TOPMed 0.12524; gnomAD 0.13314 and 0.13671.
gnomAD v4.1: 20,383 of 152,246 alleles (13%); highest among the groups gnomAD compares: Middle Eastern, 19%; 1,752 homozygotes.

Submission:

GeneDx
Classification: Benign. Last evaluated: 2018-06-14. Review status: criteria provided, single submitter. Criteria: GeneDx Variant Classification (06012015). Collection method: clinical testing. Allele origin: germline. Affected: yes.
Comment: This variant is considered likely benign or benign based on one or more of the following criteria: it is a conservative change, it occurs at a poorly conserved position in the protein, it is predicted to be benign by multiple in silico algorithms, and/or has population frequency not consistent with disease.

NM_006796.3(AFG3L2):c.1981-154C>G

Gene: AFG3L2 (AFG3 like matrix AAA peptidase subunit 2; minus strand). Cytogenetic location: 18p11.21.
Variant type: single nucleotide variant.
Coding change: c.1981-154C>G on transcript NM_006796.3 (MANE Select); 154 bases into the intron before coding-DNA position 1981, C replaced by G.
Molecular consequence: intron variant.
Genome position (GRCh38, 1-based): chr18:12,337,689, G>C on the plus strand (C>G on the coding strand, the complement: AFG3L2 is on the minus strand). VCF-style: chr18-12337689-G-C. GRCh37 (hg19) VCF-style: chr18-12337688-G-C.
Identifiers: ClinVar variation 677942 (VCV000677942.1), dbSNP rs78550590, ClinGen allele CA14530056.